The following is an entry in ClinVar:

ClinVar aggregate classification (germline): Uncertain significance (1 of 4 stars; one submission).

Conditions:
Hereditary cancer-predisposing syndrome. Also called: Neoplastic Syndromes, Hereditary; Tumor predisposition; Hereditary neoplastic syndrome; Hereditary Cancer Syndrome. Identifiers: Orphanet 140162, MedGen C0027672, MeSH D009386, MONDO:0015356.

Submission:

Ambry Genetics
Classification: Uncertain significance for Hereditary cancer-predisposing syndrome. Last evaluated: 2026-08-14. Review status: criteria provided, single submitter. Criteria: Ambry Variant Classification Scheme 2023. Collection method: clinical testing. Allele origin: germline.
Comment: The p.S365G variant (also known as c.1093A>G), located in coding exon 9 of the MITF gene, results from an A to G substitution at nucleotide position 1093. The serine at codon 365 is replaced by glycine, an amino acid with similar properties. This amino acid position is conserved. In addition, this alteration is predicted to be tolerated by in silico analysis. Based on the available evidence, the clinical significance of this variant remains unclear.

NM_001354604.2(MITF):c.1414A>G (p.Ser472Gly)

Gene: MITF (melanocyte inducing transcription factor; plus strand). Cytogenetic location: 3p13.
Variant type: single nucleotide variant.
Coding change: c.1414A>G on transcript NM_001354604.2 (MANE Select); coding-DNA position 1414, A replaced by G.
Protein change: p.Ser472Gly; replaces serine 472 with glycine.
Molecular consequence: missense variant.
Genome position (GRCh38, 1-based): chr3:69,965,081, A>G. VCF-style: chr3-69965081-A-G. GRCh37 (hg19) VCF-style: chr3-70014232-A-G.
Other names: c.1393A>G, p.Ser465Gly (NM_001354606.2, NM_006722.3); c.1345A>G, p.Ser449Gly (NM_001354607.2); c.1240A>G, p.Ser414Gly (NM_001354608.2, NM_001184967.2); c.1075A>G, p.Ser359Gly (NM_198158.3); c.1396A>G, p.Ser466Gly (NM_198159.3); c.1348A>G, p.Ser450Gly (NM_198177.3); c.907A>G, p.Ser303Gly (NM_198178.3); c.1093A>G, p.Ser365Gly (NM_000248.4); and 1 more; short protein forms S449G, S465G, S471G, S365G, S303G, S359G, S414G, S450G.
Identifiers: ClinVar variation 5024484 (VCV005024484.1).